The following is an entry in ClinVar:

ClinVar aggregate classification (germline): Uncertain significance. Review status: criteria provided, multiple submitters, no conflicts (2 of 4 stars). 2 submissions from 2 submitters: Uncertain significance (2). Last evaluated 2024-12-13.

Conditions:
Spermatogenic failure 18. Identifiers: MedGen C4539783, MONDO:0054615, OMIM 617576.
Ciliary dyskinesia, primary, 37 (CILD37). Also called: CILIARY DYSKINESIA, PRIMARY, 37, WITH OR WITHOUT SITUS INVERSUS. Identifiers: MedGen C4539798, MONDO:0033204, OMIM 617577.

Allele frequency attached by ClinVar (database versions not stated): gnomAD 0.00005 and 0.00006; TOPMed 0.00005; ESP Exome Variant Server 0.00008.
gnomAD v4.1: 34 of 1,613,744 alleles (0.0021%); highest among the groups gnomAD compares: East Asian, 0.036%; no homozygotes.

Submissions (2):

Labcorp Genetics (formerly Invitae), Labcorp
Classification: Uncertain significance for Ciliary dyskinesia, primary, 37; Spermatogenic failure 18. Last evaluated: 2024-12-13. Review status: criteria provided, single submitter. Criteria: Invitae Variant Classification Sherloc (09022015). Collection method: clinical testing. Allele origin: germline.
Comment: This sequence change replaces arginine, which is basic and polar, with cysteine, which is neutral and slightly polar, at codon 1483 of the DNAH1 protein (p.Arg1483Cys). This variant is present in population databases (rs367684134, gnomAD 0.1%). This variant has not been reported in the literature in individuals affected with DNAH1-related conditions. ClinVar contains an entry for this variant (Variation ID: 1412076). Invitae Evidence Modeling of protein sequence and biophysical properties (such as structural, functional, and spatial information, amino acid conservation, physicochemical variation, residue mobility, and thermodynamic stability) indicates that this missense variant is not expected to disrupt DNAH1 protein function with a negative predictive value of 80%. In summary, the available evidence is currently insufficient to determine the role of this variant in disease. Therefore, it has been classified as a Variant of Uncertain Significance.

Ambry Genetics
Classification: Uncertain significance. Last evaluated: 2023-02-06. Review status: criteria provided, single submitter. Criteria: Ambry Variant Classification Scheme 2023. Collection method: clinical testing. Allele origin: germline.

NM_015512.5(DNAH1):c.4447C>T (p.Arg1483Cys)

Gene: DNAH1 (dynein axonemal heavy chain 1; plus strand). Cytogenetic location: 3p21.1.
Variant type: single nucleotide variant.
Coding change: c.4447C>T on transcript NM_015512.5 (MANE Select); coding-DNA position 4447, C replaced by T.
Protein change: p.Arg1483Cys; replaces arginine 1483 with cysteine.
Molecular consequence: missense variant.
Genome position (GRCh38, 1-based): chr3:52,359,955, C>T. VCF-style: chr3-52359955-C-T. GRCh37 (hg19) VCF-style: chr3-52393971-C-T.
Other names: c.4447C>T (NM_015512.4); short protein forms R1483C.
Identifiers: ClinVar variation 1412076 (VCV001412076.7), dbSNP rs367684134, ClinGen allele CA2433909.